The following is an entry in ClinVar:

NM_014956.5(CEP164):c.2984A>T (p.Gln995Leu)

Gene: CEP164 (centrosomal protein 164; plus strand). Cytogenetic location: 11q23.3.
Variant type: single nucleotide variant.
Coding change: c.2984A>T on transcript NM_014956.5 (MANE Select); coding-DNA position 2984, A replaced by T.
Protein change: p.Gln995Leu; replaces glutamine 995 with leucine.
Molecular consequence: missense variant.
Genome position (GRCh38, 1-based): chr11:117,395,617, A>T. VCF-style: chr11-117395617-A-T. GRCh37 (hg19) VCF-style: chr11-117266333-A-T.
Other names: c.2993A>T, p.Gln998Leu (NM_001271933.2, NM_001440949.1); c.2984A>T, p.Gln995Leu (NM_001440950.1, NM_001440951.1, NM_001440953.1); c.2819A>T, p.Gln940Leu (NM_001440952.1, NM_001440968.1, NM_001440969.1); c.2906A>T, p.Gln969Leu (NM_001440954.1, NM_001440955.1, NM_001440958.1 and 1 more transcripts); c.2897A>T, p.Gln966Leu (NM_001440956.1, NM_001440957.1); c.2855A>T, p.Gln952Leu (NM_001440960.1); c.2846A>T, p.Gln949Leu (NM_001440961.1, NM_001440967.1); c.2837A>T, p.Gln946Leu (NM_001440962.1, NM_001440963.1, NM_001440964.1 and 4 more transcripts); and 7 more; short protein forms Q870L, Q925L, Q940L, Q949L, Q969L, Q998L, Q850L, Q899L.
Identifiers: ClinVar variation 4992928 (VCV004992928.1).

ClinVar aggregate classification (germline): Uncertain significance (1 of 4 stars; one submission).

Conditions:
CEP164-related disorder. Also called: CEP164-related condition.

gnomAD v4.1: 1 of 1,613,954 alleles (0.000062%); highest among the groups gnomAD compares: Non-Finnish European, 0.000085%; no homozygotes.

Submission:

PreventionGenetics, part of Exact Sciences
Classification: Uncertain significance for CEP164-related condition. Last evaluated: 2025-12-23. Review status: criteria provided, single submitter. Criteria: ACMG Guidelines, 2015. Collection method: clinical testing. Allele origin: germline.
Comment: The CEP164 c.2984A>T variant is predicted to result in the amino acid substitution p.Gln995Leu. To our knowledge, this variant has not been reported in the literature or in a large population database (gnomAD), indicating this variant is rare. At this time, the clinical significance of this variant is uncertain due to the absence of conclusive functional and genetic evidence.